The following is an entry in ClinVar:

NM_000059.4(BRCA2):c.4132del (p.Thr1378fs)

Gene: BRCA2 (BRCA2 DNA repair associated; plus strand). Cytogenetic location: 13q13.1.
Variant type: Deletion.
Coding change: c.4132del on transcript NM_000059.4 (MANE Select); coding-DNA position 4132, one base deleted (A; older notation c.4132delA).
Protein change: p.Thr1378fs; shifts the reading frame from threonine 1378.
Molecular consequence: frameshift variant.
Genome position (GRCh38, 1-based): chr13:32,338,487, A deleted. VCF-style (leftmost placement, unchanged base first): chr13-32338486-CA-C. GRCh37 (hg19) VCF-style: chr13-32912623-CA-C.
Other names: c.4132delA (NM_000059.3); short protein forms T1378fs.
Identifiers: ClinVar variation 1433235 (VCV001433235.7), dbSNP rs2137503221, ClinGen allele CA2573149368.

ClinVar aggregate classification (germline): Pathogenic. Review status: criteria provided, multiple submitters, no conflicts (2 of 4 stars). 2 submissions from 2 submitters: Pathogenic (2). Last evaluated 2025-07-15.

Conditions:
Hereditary cancer-predisposing syndrome. Also called: Hereditary Cancer Syndrome; Hereditary neoplastic syndrome; Neoplastic Syndromes, Hereditary; Tumor predisposition. Identifiers: Orphanet 140162, MedGen C0027672, MeSH D009386, MONDO:0015356.
Hereditary breast ovarian cancer syndrome. Also called: Hereditary breast and ovarian cancer syndrome (HBOC); Breast and ovarian cancer; BRCA1- and BRCA2-Associated Hereditary Breast and Ovarian Cancer; Hereditary breast and/or ovarian cancer syndrome; Hereditary breast and ovarian cancer; Hereditary breast and ovarian cancer syndrome. Identifiers: Orphanet 145, MedGen C0677776, MeSH D061325, MONDO:0003582. Disease mechanism: loss of function.

Submissions (2):

Ambry Genetics
Classification: Pathogenic for Hereditary cancer-predisposing syndrome. Last evaluated: 2025-07-15. Review status: criteria provided, single submitter. Criteria: Ambry Variant Classification Scheme 2023. Collection method: clinical testing. Allele origin: germline.
Comment: The c.4132delA pathogenic mutation, located in coding exon 10 of the BRCA2 gene, results from a deletion of one nucleotide at nucleotide position 4132, causing a translational frameshift with a predicted alternate stop codon (p.T1378Lfs*10). This variant is considered to be rare based on population cohorts in the Genome Aggregation Database (gnomAD). This alteration is expected to result in loss of function by premature protein truncation or nonsense-mediated mRNA decay. As such, this alteration is interpreted as a disease-causing mutation.

Labcorp Genetics (formerly Invitae), Labcorp
Classification: Pathogenic for Hereditary breast ovarian cancer syndrome. Last evaluated: 2021-10-24. Review status: criteria provided, single submitter. Criteria: Invitae Variant Classification Sherloc (09022015). Collection method: clinical testing. Allele origin: germline.
Comment: This sequence change creates a premature translational stop signal (p.Thr1378Leufs*10) in the BRCA2 gene. It is expected to result in an absent or disrupted protein product. Loss-of-function variants in BRCA2 are known to be pathogenic (PMID: 20104584). This variant is not present in population databases (ExAC no frequency). This variant has not been reported in the literature in individuals affected with BRCA2-related conditions. For these reasons, this variant has been classified as Pathogenic.

Literature cited by the submitters: PubMed 20104584 (cited by Labcorp Genetics (formerly Invitae), Labcorp).